The following is an entry in ClinVar:

NM_020843.4(SCAPER):c.447C>G (p.Asp149Glu)

Gene: SCAPER (S-phase cyclin A associated protein in the ER; minus strand). Cytogenetic location: 15q24.3.
Variant type: single nucleotide variant.
Coding change: c.447C>G on transcript NM_020843.4 (MANE Select); coding-DNA position 447, C replaced by G.
Protein change: p.Asp149Glu; replaces aspartic acid 149 with glutamic acid.
Molecular consequence: missense variant. On other transcripts: 5 prime UTR variant (1), non-coding transcript variant (1).
Genome position (GRCh38, 1-based): chr15:76,804,580, G>C on the plus strand (C>G on the coding strand, the complement: SCAPER is on the minus strand). VCF-style: chr15-76804580-G-C. GRCh37 (hg19) VCF-style: chr15-77096921-G-C.
Other names: c.-451C>G (NM_001145923.2); c.447C>G, p.Asp149Glu (NM_001353009.2); c.45C>G, p.Asp15Glu (NM_001353010.2, NM_001353011.2, NM_001353012.2); short protein forms D149E, D15E.
Identifiers: ClinVar variation 5001489 (VCV005001489.1).

ClinVar aggregate classification (germline): Uncertain significance (1 of 4 stars; one submission).

Conditions:
SCAPER-related disorder. Also called: SCAPER-related condition.

gnomAD v4.1: 2 of 1,611,664 alleles (0.00012%); highest among the groups gnomAD compares: African/African-American, 0.0027%; no homozygotes.

Submission:

PreventionGenetics, part of Exact Sciences
Classification: Uncertain significance for SCAPER-related condition. Last evaluated: 2026-08-25. Review status: criteria provided, single submitter. Criteria: ACMG Guidelines, 2015. Collection method: clinical testing. Allele origin: germline.
Comment: The SCAPER c.447C>G variant is predicted to result in the amino acid substitution p.Asp149Glu. To our knowledge, this variant has not been reported in the literature. This variant is reported in 0.011% of alleles in individuals of African descent in gnomAD. At this time, the clinical significance of this variant is uncertain due to the absence of conclusive functional and genetic evidence.